The following is an entry in ClinVar:

ClinVar aggregate classification (germline): Pathogenic (1 of 4 stars; one submission).

Conditions:
Breast-ovarian cancer, familial, susceptibility to, 2 (BROVCA2). Also called: BRCA2 Hereditary Breast and Ovarian Cancer. Identifiers: Orphanet 145, MedGen C2675520, MONDO:0012933, OMIM 612555. Disease mechanism: loss of function.

Submission:

Myriad Genetics, Inc.
Classification: Pathogenic for Breast-ovarian cancer, familial, susceptibility to, 2. Last evaluated: 2024-06-18. Review status: criteria provided, single submitter. Criteria: Myriad Autosomal Dominant, Autosomal Recessive and X-Linked Classification Criteria (2023). Collection method: clinical testing. Allele origin: unknown.
Comment: This variant is considered pathogenic. This variant creates a frameshift predicted to result in premature protein truncation.

NM_000059.4(BRCA2):c.8926dup (p.Ser2976fs)

Gene: BRCA2 (BRCA2 DNA repair associated; plus strand). Cytogenetic location: 13q13.1.
Variant type: Duplication.
Coding change: c.8926dup on transcript NM_000059.4 (MANE Select); coding-DNA position 8926, one base duplicated (A; older notation c.8926dupA).
Protein change: p.Ser2976fs; shifts the reading frame from serine 2976.
Molecular consequence: frameshift variant. On other transcripts: non-coding transcript variant (1).
Genome position (GRCh38, 1-based): chr13:32,379,488, A duplicated; the last of 2 consecutive A bases (chr13:32,379,487-32,379,488); duplicating either gives the same sequence. VCF-style (leftmost placement, unchanged base first): chr13-32379486-T-TA. GRCh37 (hg19) VCF-style: chr13-32953623-T-TA.
Other names: c.8830dup, p.Ser2944fs (NM_001406719.1); c.8926dup, p.Ser2976fs (NM_001406720.1); c.3994dup, p.Ser1332fs (NM_001406721.1); c.2509dup, p.Ser837fs (NM_001406722.1); short protein forms S1332fs, S2944fs, S2976fs, S837fs.
Identifiers: ClinVar variation 3254410 (VCV003254410.1), dbSNP rs2548555282.